The following is an entry in ClinVar:

NM_015135.3(NUP205):c.3941T>C (p.Ile1314Thr)

Gene: NUP205 (nucleoporin 205; plus strand). Cytogenetic location: 7q33.
Variant type: single nucleotide variant.
Coding change: c.3941T>C on transcript NM_015135.3 (MANE Select); coding-DNA position 3941, T replaced by C.
Protein change: p.Ile1314Thr; replaces isoleucine 1314 with threonine.
Molecular consequence: missense variant.
Genome position (GRCh38, 1-based): chr7:135,618,581, T>C. VCF-style: chr7-135618581-T-C. GRCh37 (hg19) VCF-style: chr7-135303329-T-C.
Other names: c.2867T>C, p.Ile956Thr (NM_001329434.2); short protein forms I1314T, I956T.
Identifiers: ClinVar variation 755780 (VCV000755780.8), dbSNP rs6955556, ClinGen allele CA4498748.

ClinVar aggregate classification (germline): Likely benign. Review status: criteria provided, multiple submitters, no conflicts (2 of 4 stars). 3 submissions from 3 submitters: Likely benign (2). 1 of the submissions does not count toward it. Last evaluated 2025-10-06.

Conditions:
NUP205-related disorder. Also called: NUP205-related condition.

Allele frequency attached by ClinVar (database versions not stated): gnomAD exomes 0.00010 and 0.00018; ExAC 0.00019; 1000 Genomes Project 0.00060; 1000 Genomes Project 30x 0.00062; gnomAD 0.00082 and 0.00091; TOPMed 0.00092; ESP Exome Variant Server 0.00123.
gnomAD v4.1: 270 of 1,605,734 alleles (0.017%); highest among the groups gnomAD compares: African/African-American, 0.34%; no homozygotes.

Submissions (3):

Labcorp Genetics (formerly Invitae), Labcorp
Classification: Likely benign. Last evaluated: 2025-10-06. Review status: criteria provided, single submitter. Criteria: Invitae Variant Classification Sherloc (09022015). Collection method: clinical testing. Allele origin: germline.

Breakthrough Genomics
Classification: Likely benign. Review status: criteria provided, single submitter. Criteria: ACMG Guidelines, 2015. Collection method: not provided. Allele origin: germline. Inheritance: Autosomal recessive inheritance. Affected: yes.

PreventionGenetics, part of Exact Sciences
Classification: Likely benign for NUP205-related condition. Last evaluated: 2023-11-22. Review status: no assertion criteria provided. Collection method: clinical testing. Allele origin: germline. Not counted in ClinVar's aggregate classification.
Comment: This variant is classified as likely benign based on ACMG/AMP sequence variant interpretation guidelines (Richards et al. 2015 PMID: 25741868, with internal and published modifications).